The following is an entry in ClinVar:

NM_007294.4(BRCA1):c.616C>G (p.Gln206Glu)

Gene: BRCA1 (BRCA1 DNA repair associated; minus strand). Cytogenetic location: 17q21.31.
Variant type: single nucleotide variant.
Coding change: c.616C>G on transcript NM_007294.4 (MANE Select); coding-DNA position 616, C replaced by G.
Protein change: p.Gln206Glu; replaces glutamine 206 with glutamic acid.
Molecular consequence: missense variant. On other transcripts: non-coding transcript variant (1).
Genome position (GRCh38, 1-based): chr17:43,095,900, G>C on the plus strand (C>G on the coding strand, the complement: BRCA1 is on the minus strand). VCF-style: chr17-43095900-G-C. GRCh37 (hg19) VCF-style: chr17-41247917-G-C.
Other names: c.472C>G, p.Gln158Glu (NM_001408462.1, NM_001408463.1, NM_001408464.1 and 26 more transcripts); c.475C>G, p.Gln159Glu (NM_001408466.1, NM_001408467.1, NM_001408469.1 and 43 more transcripts); c.616C>G, p.Gln206Glu (NM_001408472.1, NM_007298.4, NM_007299.4 and 59 more transcripts); c.613C>G, p.Gln205Glu (NM_001408473.1, NM_001407587.1, NM_001407590.1 and 41 more transcripts); c.406C>G, p.Gln136Glu (NM_001408478.1, NM_001408479.1, NM_001408480.1 and 27 more transcripts); c.403C>G, p.Gln135Glu (NM_001408490.1, NM_001408491.1, NM_001408493.1 and 12 more transcripts); c.235C>G, p.Gln79Glu (NM_001408510.1, NM_001407959.1, NM_001407960.1 and 1 more transcripts); c.607C>G, p.Gln203Glu (NM_001407646.1, NM_001407647.1, NM_001408408.1); and 4 more; short protein forms Q206E, Q159E, Q135E, Q158E, Q78E, Q161E, Q203E, Q136E.
Identifiers: ClinVar variation 482902 (VCV000482902.6), dbSNP rs397509301, ClinGen allele CA10600871.

ClinVar aggregate classification (germline): Uncertain significance (1 of 4 stars; one submission).

Conditions:
Hereditary cancer-predisposing syndrome. Also called: Neoplastic Syndromes, Hereditary; Tumor predisposition; Hereditary Cancer Syndrome; Hereditary neoplastic syndrome. Identifiers: Orphanet 140162, MedGen C0027672, MeSH D009386, MONDO:0015356.

Submission:

Ambry Genetics
Classification: Uncertain significance for Hereditary cancer-predisposing syndrome. Last evaluated: 2016-04-08. Review status: criteria provided, single submitter. Criteria: Ambry Variant Classification Scheme 2023. Collection method: clinical testing. Allele origin: germline.
Comment: The p.Q206E variant (also known as c.616C>G), located in coding exon 8 of the BRCA1 gene, results from a C to G substitution at nucleotide position 616. The glutamine at codon 206 is replaced by glutamic acid, an amino acid with highly similar properties. This variant was not reported in population based cohorts in the following databases: Database of Single Nucleotide Polymorphisms (dbSNP), NHLBI Exome Sequencing Project (ESP), and 1000 Genomes Project. In the ESP, this variant was not observed in 6503 samples (13006 alleles) with coverage at this position. To date, this alteration has been detected with an allele frequency of approximately 0.0004% (greater than 225000 alleles tested) in our clinical cohort. This amino acid position is not well conserved in available vertebrate species, and glutamic acid is the reference amino acid in other vertebrate species. In addition, the in silico prediction for this alteration is inconclusive. Since supporting evidence is limited at this time, the clinical significance of this alteration remains unclear.